The following is an entry in ClinVar:

ClinVar aggregate classification (germline): Likely pathogenic (1 of 4 stars; one submission).

Conditions:
Intellectual developmental disorder, autosomal recessive 18, with or without epilepsy. Also called: Intellectual disability, autosomal recessive 18. Identifiers: Orphanet 88616, MedGen C3280265, MONDO:0013651, OMIM 614249.

Submission:

Baylor Genetics
Classification: Likely pathogenic for Intellectual developmental disorder, autosomal recessive 18, with or without epilepsy. Last evaluated: 2019-01-16. Review status: criteria provided, single submitter. Criteria: ACMG Guidelines, 2015. Collection method: clinical testing. Allele origin: de novo. Affected: yes.
Comment: This variant was determined to be likely pathogenic according to ACMG Guidelines, 2015 [PMID:25741868].

NM_004830.4(MED23):c.1181C>T (p.Pro394Leu)

Gene: MED23 (mediator complex subunit 23; minus strand). Cytogenetic location: 6q23.2.
Variant type: single nucleotide variant.
Coding change: c.1181C>T on transcript NM_004830.4 (MANE Select); coding-DNA position 1181, C replaced by T.
Protein change: p.Pro394Leu; replaces proline 394 with leucine.
Molecular consequence: missense variant.
Genome position (GRCh38, 1-based): chr6:131,607,968, G>A on the plus strand (C>T on the coding strand, the complement: MED23 is on the minus strand). VCF-style: chr6-131607968-G-A. GRCh37 (hg19) VCF-style: chr6-131929108-G-A.
Other names: c.926C>T, p.Pro309Leu (NM_001376523.1); c.1181C>T, p.Pro394Leu (NM_001376524.1, NM_001376519.1, NM_001376521.1 and 3 more transcripts); c.1199C>T, p.Pro400Leu (NM_015979.4, NM_001376517.1); c.1040C>T, p.Pro347Leu (NM_001376520.1); c.1127C>T, p.Pro376Leu (NM_001376518.1); short protein forms P309L, P394L, P376L, P400L, P347L.
Identifiers: ClinVar variation 1029420 (VCV001029420.4), dbSNP rs1775982467, ClinGen allele CA365676260.